The following is an entry in ClinVar:

ClinVar aggregate classification (germline): Likely benign. Review status: criteria provided, multiple submitters, no conflicts (2 of 4 stars). 2 submissions from 2 submitters: Likely benign (2). Last evaluated 2025-10-06.

Conditions:
Charcot-Marie-Tooth Neuropathy X. Identifiers: MedGen CN118851.
Combined oxidative phosphorylation deficiency. Identifiers: MedGen C4540031, MONDO:0000732.

Allele frequency attached by ClinVar (database versions not stated): gnomAD 0.00001; gnomAD exomes 0.00001 and 0.00002; TOPMed 0.00001.
gnomAD v4.1: 21 of 1,191,704 alleles (0.0018%); highest among the groups gnomAD compares: Non-Finnish European, 0.0023%; no homozygotes.

Submissions (2):

Labcorp Genetics (formerly Invitae), Labcorp
Classification: Likely benign for Charcot-Marie-Tooth Neuropathy X; Combined oxidative phosphorylation deficiency. Last evaluated: 2025-10-06. Review status: criteria provided, single submitter. Criteria: Invitae Variant Classification Sherloc (09022015). Collection method: clinical testing. Allele origin: germline.

GeneDx
Classification: Likely benign. Last evaluated: 2016-04-11. Review status: criteria provided, single submitter. Criteria: GeneDx Variant Classification (06012015). Collection method: clinical testing. Allele origin: germline. Affected: yes.
Comment: This variant is considered likely benign or benign based on one or more of the following criteria: it is a conservative change, it occurs at a poorly conserved position in the protein, it is predicted to be benign by multiple in silico algorithms, and/or has population frequency not consistent with disease.

NM_004208.4(AIFM1):c.349+8T>G

Genes: AIFM1 (apoptosis inducing factor mitochondria associated 1; minus strand), RAB33A (RAB33A, member RAS oncogene family; plus strand). Cytogenetic location: Xq26.1.
Variant type: single nucleotide variant.
Coding change: c.349+8T>G on transcript NM_004208.4 (MANE Select); 8 bases into the intron after coding-DNA position 349, T replaced by G.
Molecular consequence: intron variant.
Genome position (GRCh38, 1-based): chrX:130,149,461, A>C on the plus strand (T>G on the coding strand, the complement: AIFM1 is on the minus strand). VCF-style: chrX-130149461-A-C. GRCh37 (hg19) VCF-style: chrX-129283436-A-C.
Other names: c.337+8T>G (NM_145812.3); c.349+8T>G (NM_001130847.4).
Identifiers: ClinVar variation 384981 (VCV000384981.5), dbSNP rs1057522094, ClinGen allele CA16608269.